The following is an entry in ClinVar:

ClinVar aggregate classification (germline): Pathogenic. Review status: reviewed by expert panel (3 of 4 stars). 2 submissions from 2 submitters: Pathogenic (1). 1 of the submissions does not count toward it. Last evaluated 2016-10-18.

Conditions:
Breast-ovarian cancer, familial, susceptibility to, 1 (BROVCA1). Also called: BRCA1 Hereditary Breast and Ovarian Cancer; OVARIAN CANCER, SUSCEPTIBILITY TO. Identifiers: Orphanet 145, MedGen C2676676, MONDO:0011450, OMIM 604370. Disease mechanism: loss of function.

Submissions (2):

Evidence-based Network for the Interpretation of Germline Mutant Alleles (ENIGMA)
Classification: Pathogenic for Breast-ovarian cancer, familial, susceptibility to, 1. Last evaluated: 2016-10-18. Review status: reviewed by expert panel. Criteria: ENIGMA BRCA1/2 Classification Criteria (2015). Collection method: curation. Allele origin: germline.
Comment: Variant allele predicted to encode a truncated non-functional protein.

Consortium of Investigators of Modifiers of BRCA1/2 (CIMBA), c/o University of Cambridge
Classification: Pathogenic for Breast-ovarian cancer, familial, susceptibility to, 1. Last evaluated: 2015-10-02. Review status: criteria provided, single submitter. Criteria: CIMBA Mutation Classification guidelines May 2016. Collection method: clinical testing. Allele origin: germline. Not counted in ClinVar's aggregate classification.

NM_007294.4(BRCA1):c.4239del (p.Glu1413fs)

Gene: BRCA1 (BRCA1 DNA repair associated; minus strand). Cytogenetic location: 17q21.31.
Variant type: Deletion.
Coding change: c.4239del on transcript NM_007294.4 (MANE Select); coding-DNA position 4239, one base deleted (A; older notation c.4239delA).
Protein change: p.Glu1413fs; shifts the reading frame from glutamic acid 1413.
Molecular consequence: frameshift variant. On other transcripts: non-coding transcript variant (1).
Genome position (GRCh38, 1-based): chr17:43,082,522, T deleted on the plus strand (A on the coding strand, the reverse complement: BRCA1 is on the minus strand); the first of 2 consecutive T bases (chr17:43,082,522-43,082,523); deleting either gives the same sequence. VCF-style (leftmost placement, unchanged base first): chr17-43082521-GT-G. GRCh37 (hg19) VCF-style: chr17-41234538-GT-G.
Other names: 4358delA; c.4028delA, p.Glu1343Aspfs (NM_001407904.1, NM_001407906.1, NM_001407879.1 and 9 more transcripts); c.4025delA, p.Glu1342Aspfs (NM_001407907.1, NM_001407908.1, NM_001407909.1 and 12 more transcripts); c.4022delA, p.Glu1341Aspfs (NM_001407915.1); c.4115delA, p.Glu1372Aspfs (NM_001407919.1, NM_001407937.1, NM_001407938.1 and 13 more transcripts); c.3974delA, p.Glu1325Aspfs (NM_001407920.1, NM_001407921.1, NM_001407922.1 and 7 more transcripts); c.3971delA, p.Glu1324Aspfs (NM_001407930.1, NM_001407931.1, NM_001407932.1 and 3 more transcripts); c.3968delA, p.Glu1323Aspfs (NM_001407934.1); and 55 more; short protein forms E1366fs, E310fs, E1413fs.
Identifiers: ClinVar variation 266462 (VCV000266462.7), dbSNP rs886040219, ClinGen allele CA10589676.